The following is an entry in ClinVar:

NM_173500.4(TTBK2):c.3169G>T (p.Val1057Phe)

Gene: TTBK2 (tau tubulin kinase 2; minus strand). Cytogenetic location: 15q15.2.
Variant type: single nucleotide variant.
Coding change: c.3169G>T on transcript NM_173500.4 (MANE Select); coding-DNA position 3169, G replaced by T.
Protein change: p.Val1057Phe; replaces valine 1057 with phenylalanine.
Molecular consequence: missense variant.
Genome position (GRCh38, 1-based): chr15:42,752,077, C>A on the plus strand (G>T on the coding strand, the complement: TTBK2 is on the minus strand). VCF-style: chr15-42752077-C-A. GRCh37 (hg19) VCF-style: chr15-43044275-C-A.
Other names: short protein forms V1057F.
Identifiers: ClinVar variation 1035395 (VCV001035395.9), dbSNP rs749779791, ClinGen allele CA392070568.

ClinVar aggregate classification (germline): Uncertain significance. Review status: criteria provided, multiple submitters, no conflicts (2 of 4 stars). 2 submissions from 2 submitters: Uncertain significance (2). Last evaluated 2023-09-15.

gnomAD v4.1: 12 of 1,614,192 alleles (0.00074%); highest among the groups gnomAD compares: Non-Finnish European, 0.00076%; no homozygotes.

Submissions (2):

Blueprint Genetics
Classification: Uncertain significance. Last evaluated: 2023-09-15. Review status: criteria provided, single submitter. Criteria: ACMG Guidelines, 2015. Collection method: clinical testing. Allele origin: germline.

Labcorp Genetics (formerly Invitae), Labcorp
Classification: Uncertain significance. Last evaluated: 2020-05-15. Review status: criteria provided, single submitter. Criteria: Invitae Variant Classification Sherloc (09022015). Collection method: clinical testing. Allele origin: germline.
Comment: Algorithms developed to predict the effect of missense changes on protein structure and function are either unavailable or do not agree on the potential impact of this missense change (SIFT: "Deleterious"; PolyPhen-2: "Probably Damaging"; Align-GVGD: "Class C0"). This variant has not been reported in the literature in individuals with TTBK2-related conditions. This variant is not present in population databases (ExAC no frequency). This sequence change replaces valine with phenylalanine at codon 1057 of the TTBK2 protein (p.Val1057Phe). The valine residue is highly conserved and there is a small physicochemical difference between valine and phenylalanine. In summary, the available evidence is currently insufficient to determine the role of this variant in disease. Therefore, it has been classified as a Variant of Uncertain Significance.